The following is an entry in ClinVar:

NM_001371596.2(MFSD8):c.14G>A (p.Arg5Gln)

Gene: MFSD8 (major facilitator superfamily domain containing 8; minus strand). Cytogenetic location: 4q28.2.
Variant type: single nucleotide variant.
Coding change: c.14G>A on transcript NM_001371596.2 (MANE Select); coding-DNA position 14, G replaced by A.
Protein change: p.Arg5Gln; replaces arginine 5 with glutamine.
Molecular consequence: missense variant. On other transcripts: 5 prime UTR variant (1), intron variant (2).
Genome position (GRCh38, 1-based): chr4:127,965,120, C>T on the plus strand (G>A on the coding strand, the complement: MFSD8 is on the minus strand). VCF-style: chr4-127965120-C-T. GRCh37 (hg19) VCF-style: chr4-128886275-C-T.
Other names: c.14G>A, p.Arg5Gln (NM_001363520.3, NM_001363521.3, NM_001371591.2 and 5 more transcripts); c.-120G>A (NM_001371595.1); c.-74+777G>A (NM_001410765.1, NM_001371590.2); short protein forms R5Q.
Identifiers: ClinVar variation 970833 (VCV000970833.10), dbSNP rs139409959, ClinGen allele CA105647791.

ClinVar aggregate classification (germline): Uncertain significance. Review status: criteria provided, single submitter (1 of 4 stars). 3 submissions from 3 submitters: Uncertain significance (1). 2 of the submissions do not count toward it. Last evaluated 2024-12-03.

Conditions:
Retinal dystrophy. Also called: Inherited retinal dystrophy. Identifiers: Orphanet 71862, MedGen C0854723, MeSH D058499, MONDO:0019118, HP:0000556.
Late-infantile neuronal ceroid lipofuscinosis. Also called: Jansky-Bielschowsky disease. Identifiers: MedGen C0022340, MONDO:0015674.
Neuronal ceroid lipofuscinosis 7 (CLN7). Also called: MFSD8-Related Neuronal Ceroid-Lipofuscinosis. Identifiers: Orphanet 168491, Orphanet 228366, MedGen C1838571, MONDO:0012588, OMIM 610951.

gnomAD v4.1: 3 of 1,613,964 alleles (0.00019%); highest among the groups gnomAD compares: Non-Finnish European, 0.00025%; no homozygotes.

Submissions (3):

Labcorp Genetics (formerly Invitae), Labcorp
Classification: Uncertain significance for Neuronal ceroid lipofuscinosis 7. Last evaluated: 2024-12-03. Review status: criteria provided, single submitter. Criteria: Invitae Variant Classification Sherloc (09022015). Collection method: clinical testing. Allele origin: germline.
Comment: This sequence change replaces arginine, which is basic and polar, with glutamine, which is neutral and polar, at codon 5 of the MFSD8 protein (p.Arg5Gln). This variant is not present in population databases (gnomAD no frequency). This variant has not been reported in the literature in individuals affected with MFSD8-related conditions. ClinVar contains an entry for this variant (Variation ID: 970833). An algorithm developed to predict the effect of missense changes on protein structure and function (PolyPhen-2) suggests that this variant¬†is likely to be tolerated. In summary, the available evidence is currently insufficient to determine the role of this variant in disease. Therefore, it has been classified as a Variant of Uncertain Significance.

Institute of Human Genetics, Univ. Regensburg, Univ. Regensburg
Classification: Uncertain significance for Retinal dystrophy. Last evaluated: 2023-01-01. Review status: no assertion criteria provided. Criteria: ACMG Guidelines, 2015. Collection method: clinical testing. Allele origin: germline. Affected: yes. Not counted in ClinVar's aggregate classification.

Natera, Inc.
Classification: Uncertain significance for Late-infantile neuronal ceroid lipofuscinosis. Last evaluated: 2020-04-06. Review status: no assertion criteria provided. Collection method: clinical testing. Allele origin: germline. Not counted in ClinVar's aggregate classification.